The following is an entry in ClinVar:

NM_003482.4(KMT2D):c.401-3A>G

Gene: KMT2D (lysine methyltransferase 2D; minus strand). Cytogenetic location: 12q13.12.
Variant type: single nucleotide variant.
Coding change: c.401-3A>G on transcript NM_003482.4 (MANE Select); 3 bases into the intron before coding-DNA position 401, A replaced by G.
Molecular consequence: intron variant.
Genome position (GRCh38, 1-based): chr12:49,054,419, T>C on the plus strand (A>G on the coding strand, the complement: KMT2D is on the minus strand). VCF-style: chr12-49054419-T-C. GRCh37 (hg19) VCF-style: chr12-49448202-T-C.
Identifiers: ClinVar variation 280136 (VCV000280136.2), dbSNP rs886041408, ClinGen allele CA10603275.
Genomic context (GRCh38, chr12:49,054,419, plus strand): 5'-TCCTGCCCCCATACGCCTGCCGACCATGCAGCACACCAATGGTGAGCCCAGCAGGACCCT[T>C]TACAGGTGGGAAGAGGTAAAGAGAAAGGAAAGAATTAACAAAAAGAGGATTGCTGGCTCA-3'

ClinVar aggregate classification (germline): Pathogenic (1 of 4 stars; one submission).

Allele frequency attached by ClinVar (database versions not stated): gnomAD exomes below 0.00001.

Submission:

GeneDx
Classification: Pathogenic. Last evaluated: 2016-02-20. Review status: criteria provided, single submitter. Criteria: GeneDx Variant Classification (06012015). Collection method: clinical testing. Allele origin: germline. Affected: yes.
Comment: The c.401-3A>G pathogenic variant in the KMT2D gene, denoted as c.400-3A>G due to alternative nomenclature, has been reported previously as a de novo variant in an individual with a clinical diagnosis of Kabuki syndrome (Micale et al., 2011). This variant is predicted to destroy the natural splice acceptor site in intron 3 and create a cryptic splice acceptor site upstream, thus is expected to cause abnormal gene splicing. The c.401-3A>G variant was not observed in approximately 6,100 individuals of European and African American ancestry in the NHLBI Exome Sequencing Project, indicating it is not a common benign variant in these populations. We interpret c.401-3A>G as a pathogenic variant.